The following is an entry in ClinVar:

NM_001384732.1(CPLANE1):c.4342G>A (p.Val1448Ile)

Genes: CPLANE1 (ciliogenesis and planar polarity effector complex subunit 1; minus strand), LOC129389274 (MPRA-validated peak5227 silencer; plus strand). Cytogenetic location: 5p13.2.
Variant type: single nucleotide variant.
Coding change: c.4342G>A on transcript NM_001384732.1 (MANE Select); coding-DNA position 4342, G replaced by A.
Protein change: p.Val1448Ile; replaces valine 1448 with isoleucine.
Molecular consequence: missense variant.
Genome position (GRCh38, 1-based): chr5:37,184,927, C>T on the plus strand (G>A on the coding strand, the complement: CPLANE1 is on the minus strand). VCF-style: chr5-37184927-C-T. GRCh37 (hg19) VCF-style: chr5-37185029-C-T.
Other names: c.4342G>A, p.Val1448Ile (NM_023073.4); short protein forms V1448I.
Identifiers: ClinVar variation 4855539 (VCV004855539.1).
Genomic context (GRCh38, chr5:37,184,927, plus strand): 5'-AATCTCCTAGTTCTGTGAGTGTACTTCTGCTCAAACTAGTCCCCAGGGAATATCTGTCAA[C>T]ACCTGGAGCCTCATCTGGTTTCTCTTCTTCAATTGGTTCCCATATATTCACTTCAAAAGA-3'
Protein context (NP_001371661.1, residues 1438-1458): EEEKPDEAPG[Val1448Ile]DRYSLGTSLS

ClinVar aggregate classification (germline): Uncertain significance (1 of 4 stars; one submission).

Conditions:
Orofaciodigital syndrome type 6 (OFD6). Also called: OROFACIODIGITAL SYNDROME VI; OFDS VI; POLYDACTYLY, CLEFT LIP/PALATE OR LINGUAL LUMP, AND PSYCHOMOTOR RETARDATION; VARADI SYNDROME; VARADI-PAPP SYNDROME; Oral-facial-digital syndrome type 6. Identifiers: Orphanet 2754, MedGen C2745997, MONDO:0010176, OMIM 277170.

gnomAD v4.1: 2 of 1,614,104 alleles (0.00012%); highest among the groups gnomAD compares: Non-Finnish European, 0.00017%; no homozygotes.

Submission:

3billion
Classification: Uncertain significance for Orofaciodigital syndrome type 6. Last evaluated: 2025-10-06. Review status: criteria provided, single submitter. Criteria: ACMG Guidelines, 2015. Collection method: clinical testing. Allele origin: germline. Affected: yes.
Comment: The variant is observed at an extremely low frequency in the gnomAD v4.1.0 dataset (total allele frequency: <0.001%). Predicted Consequence/Location: Missense variant. The majority of the known disease-causing variants of this gene are variants expected to result in premature termination of the protein. In silico tools predict the variant to alter splicing and produce an abnormal transcript [SpliceAI: 0.69 (>=0.2, moderate evidence for spliceogenicity)]. Different missense changes at the same codon have been reported as of uncertain significance (ClinVar ID: VCV001369184). Therefore, this variant is classified as VUS according to the recommendation of ACMG/AMP guideline.